The following is an entry in ClinVar:

NM_199420.4(POLQ):c.6637C>T (p.Pro2213Ser)

Gene: POLQ (DNA polymerase theta; minus strand). Cytogenetic location: 3q13.33.
Variant type: single nucleotide variant.
Coding change: c.6637C>T on transcript NM_199420.4 (MANE Select); coding-DNA position 6637, C replaced by T.
Protein change: p.Pro2213Ser; replaces proline 2213 with serine.
Molecular consequence: missense variant.
Genome position (GRCh38, 1-based): chr3:121,472,071, G>A on the plus strand (C>T on the coding strand, the complement: POLQ is on the minus strand). VCF-style: chr3-121472071-G-A. GRCh37 (hg19) VCF-style: chr3-121190918-G-A.
Other names: short protein forms P2213S.
Identifiers: ClinVar variation 2560552 (VCV002560552.2), dbSNP rs2546773393, ClinGen allele CA354085322.

ClinVar aggregate classification (germline): Uncertain significance (1 of 4 stars; one submission).

Allele frequency attached by ClinVar (database versions not stated): gnomAD exomes below 0.00001.
gnomAD v4.1: 2 of 1,585,700 alleles (0.00013%); highest among the groups gnomAD compares: African/African-American, 0.0027%; no homozygotes.

Submission:

Ambry Genetics
Classification: Uncertain significance. Last evaluated: 2023-05-05. Review status: criteria provided, single submitter. Criteria: Ambry Variant Classification Scheme 2023. Collection method: clinical testing. Allele origin: germline.
Comment: The p.P2213S variant (also known as c.6637C>T), located in coding exon 22 of the POLQ gene, results from a C to T substitution at nucleotide position 6637. The proline at codon 2213 is replaced by serine, an amino acid with similar properties. This amino acid position is conserved. In addition, this alteration is predicted to be tolerated by in silico analysis. Since supporting evidence is limited at this time, the clinical significance of this alteration remains unclear.